The following is an entry in ClinVar:

ClinVar aggregate classification (germline): Uncertain significance (1 of 4 stars; one submission).

Conditions:
Pyridoxine-dependent epilepsy (EPEO4). Also called: Pyridoxine-Dependent Epilepsy - ALDH7A1; EPILEPSY, EARLY-ONSET, 4, VITAMIN B6-DEPENDENT; Pyridoxine-Dependent Seizures; PYRIDOXINE DEPENDENCY WITH SEIZURES. Identifiers: Orphanet 3006, MedGen C1849508, MONDO:0009945, OMIM 266100. Disease mechanism: loss of function.

Allele frequency attached by ClinVar (database versions not stated): gnomAD exomes 0.00001 and below 0.00001; 1000 Genomes Project 30x 0.00031; 1000 Genomes Project 0.00040; gnomAD below 0.00001 and 0.00002; ExAC 0.00002.

Submission:

Labcorp Genetics (formerly Invitae), Labcorp
Classification: Uncertain significance for Pyridoxine-dependent epilepsy. Last evaluated: 2016-05-22. Review status: criteria provided, single submitter. Criteria: Invitae Variant Classification Sherloc (09022015). Collection method: clinical testing. Allele origin: germline.
Comment: This sequence change replaces valine with methionine at codon 228 of the ALDH7A1 protein (p.Val228Met). The valine residue is highly conserved and there is a small physicochemical difference between valine and methionine. This variant is present in population databases (rs201832111, ExAC 0.01%) but has not been reported in the literature in individuals with a ALDH7A1-related disease. Algorithms developed to predict the effect of missense changes on protein structure and function do not agree on the potential impact of this missense change (SIFT: "Deleterious"; PolyPhen-2: "Possibly Damaging"; Align-GVGD: "Class C0"). In summary, this variant is a rare missense change with uncertain impact on protein function. There is no indication that it causes disease, but the available evidence is currently insufficient to prove that conclusively. Therefore, it has been classified as a Variant of Uncertain Significance.

NM_001182.5(ALDH7A1):c.682G>A (p.Val228Met)

Gene: ALDH7A1 (aldehyde dehydrogenase 7 family member A1; minus strand). Cytogenetic location: 5q23.2.
Variant type: single nucleotide variant.
Coding change: c.682G>A on transcript NM_001182.5 (MANE Select); coding-DNA position 682, G replaced by A.
Protein change: p.Val228Met; replaces valine 228 with methionine.
Molecular consequence: missense variant.
Genome position (GRCh38, 1-based): chr5:126,575,433, C>T on the plus strand (G>A on the coding strand, the complement: ALDH7A1 is on the minus strand). VCF-style: chr5-126575433-C-T. GRCh37 (hg19) VCF-style: chr5-125911125-C-T.
Other names: c.598G>A, p.Val200Met (NM_001201377.2); c.682G>A, p.Val228Met (NM_001202404.2); short protein forms V228M, V200M.
Identifiers: ClinVar variation 410542 (VCV000410542.1), dbSNP rs201832111, ClinGen allele CA3389694.